The following is an entry in ClinVar:

NM_001145715.3(KPNA7):c.1198A>G (p.Met400Val)

Gene: KPNA7 (karyopherin subunit alpha 7; minus strand). Cytogenetic location: 7q22.1.
Variant type: single nucleotide variant.
Coding change: c.1198A>G on transcript NM_001145715.3 (MANE Select); coding-DNA position 1198, A replaced by G.
Protein change: p.Met400Val; replaces methionine 400 with valine.
Molecular consequence: missense variant.
Genome position (GRCh38, 1-based): chr7:99,182,002, T>C on the plus strand (A>G on the coding strand, the complement: KPNA7 is on the minus strand). VCF-style: chr7-99182002-T-C. GRCh37 (hg19) VCF-style: chr7-98779625-T-C.
Other names: c.1198A>G (NM_001145715.1); short protein forms M400V.
Identifiers: ClinVar variation 1009924 (VCV001009924.7), dbSNP rs562883044, ClinGen allele CA4363129.
Genomic context (GRCh38, chr7:99,182,002, plus strand): 5'-TGAGCAGATTCACCAGTGGCTCCAGGACCCCAGAGTGGACGAGCTGGATCAGCTGATCCA[T>C]GGTGGCCCCTGTTGCAAAGTTCGCCACCATCCAGACAGCCTCTTTCTGGACTTTAAATTC-3'
Protein context (NP_001139187.1, residues 390-410): MVANFATGAT[Met400Val]DQLIQLVHSG

ClinVar aggregate classification (germline): Conflicting classifications of pathogenicity. Review status: criteria provided, conflicting classifications (1 of 4 stars). 2 submissions from 2 submitters: Uncertain significance (1); Likely benign (1). Last evaluated 2024-09-08.

Allele frequency attached by ClinVar (database versions not stated): gnomAD 0.00002 and 0.00005; TOPMed 0.00003; gnomAD exomes 0.00004 and 0.00007; 1000 Genomes Project 30x 0.00016; ExAC 0.00019; 1000 Genomes Project 0.00020.
gnomAD v4.1: 66 of 1,550,182 alleles (0.0043%); highest among the groups gnomAD compares: South Asian, 0.068%; no homozygotes.

Submissions (2):

Ambry Genetics
Classification: Likely benign. Last evaluated: 2024-09-08. Review status: criteria provided, single submitter. Criteria: Ambry Variant Classification Scheme 2023. Collection method: clinical testing. Allele origin: germline.

Labcorp Genetics (formerly Invitae), Labcorp
Classification: Uncertain significance. Last evaluated: 2022-09-01. Review status: criteria provided, single submitter. Criteria: Invitae Variant Classification Sherloc (09022015). Collection method: clinical testing. Allele origin: germline.
Comment: This sequence change replaces methionine, which is neutral and non-polar, with valine, which is neutral and non-polar, at codon 400 of the KPNA7 protein (p.Met400Val). This variant is present in population databases (rs562883044, gnomAD 0.04%). This variant has not been reported in the literature in individuals affected with KPNA7-related conditions. ClinVar contains an entry for this variant (Variation ID: 1009924). Algorithms developed to predict the effect of missense changes on protein structure and function output the following: SIFT: "Tolerated"; PolyPhen-2: "Benign"; Align-GVGD: "Class C0". The valine amino acid residue is found in multiple mammalian species, which suggests that this missense change does not adversely affect protein function. In summary, the available evidence is currently insufficient to determine the role of this variant in disease. Therefore, it has been classified as a Variant of Uncertain Significance.